The following is an entry in ClinVar:

NM_001844.5(COL2A1):c.1034G>T (p.Gly345Val)

Gene: COL2A1 (collagen type II alpha 1 chain; minus strand). Cytogenetic location: 12q13.11.
Variant type: single nucleotide variant.
Coding change: c.1034G>T on transcript NM_001844.5 (MANE Select); coding-DNA position 1034, G replaced by T.
Protein change: p.Gly345Val; replaces glycine 345 with valine.
Molecular consequence: missense variant.
Genome position (GRCh38, 1-based): chr12:47,989,795, C>A on the plus strand (G>T on the coding strand, the complement: COL2A1 is on the minus strand). VCF-style: chr12-47989795-C-A. GRCh37 (hg19) VCF-style: chr12-48383578-C-A.
Other names: c.827G>T, p.Gly276Val (NM_033150.3); short protein forms G276V, G345V.
Identifiers: ClinVar variation 2031141 (VCV002031141.4), dbSNP rs1939617011, ClinGen allele CA384555476.

ClinVar aggregate classification (germline): Likely pathogenic (1 of 4 stars; one submission).

Submission:

Labcorp Genetics (formerly Invitae), Labcorp
Classification: Likely pathogenic. Last evaluated: 2022-09-18. Review status: criteria provided, single submitter. Criteria: Invitae Variant Classification Sherloc (09022015). Collection method: clinical testing. Allele origin: germline.
Comment: In summary, the currently available evidence indicates that the variant is pathogenic, but additional data are needed to prove that conclusively. Therefore, this variant has been classified as Likely Pathogenic. This variant disrupts the triple helix domain of COL2A1. Glycine residues within the Gly-Xaa-Yaa repeats of the triple helix domain are required for the structure and stability of fibrillar collagens (PMID: 7695699, 8218237, 19344236). In COL2A1, variants affecting these glycine residues are significantly enriched in individuals with disease (PMID: 9016532, 17078022) compared to the general population (ExAC). Advanced modeling of protein sequence and biophysical properties (such as structural, functional, and spatial information, amino acid conservation, physicochemical variation, residue mobility, and thermodynamic stability) performed at Invitae indicates that this missense variant is expected to disrupt COL2A1 protein function. This variant has not been reported in the literature in individuals affected with COL2A1-related conditions. This variant is not present in population databases (gnomAD no frequency). This sequence change replaces glycine, which is neutral and non-polar, with valine, which is neutral and non-polar, at codon 345 of the COL2A1 protein (p.Gly345Val).

Literature cited by the submitters: PubMed 7695699; PubMed 8218237; PubMed 19344236; PubMed 9016532; PubMed 17078022.